The following is an entry in ClinVar:

ClinVar aggregate classification (germline): Uncertain significance. Review status: criteria provided, multiple submitters, no conflicts (2 of 4 stars). 2 submissions from 2 submitters: Uncertain significance (2). Last evaluated 2025-06-11.

Conditions:
Inborn genetic diseases. Identifiers: MedGen C0950123, MeSH D030342.

gnomAD v4.1: 1 of 1,610,782 alleles (0.000062%); highest among the groups gnomAD compares: Non-Finnish European, 0.000085%; no homozygotes.

Submissions (2):

Ambry Genetics
Classification: Uncertain significance for Inborn genetic diseases. Last evaluated: 2025-06-11. Review status: criteria provided, single submitter. Criteria: Ambry Variant Classification Scheme 2023. Collection method: clinical testing. Allele origin: germline.

GeneDx
Classification: Uncertain significance. Last evaluated: 2024-08-27. Review status: criteria provided, single submitter. Criteria: GeneDx Variant Classification Process June 2021. Collection method: clinical testing. Allele origin: germline. Affected: yes.
Comment: Has not been previously published as pathogenic or benign to our knowledge; Not observed at significant frequency in large population cohorts (gnomAD); In silico analysis indicates that this missense variant does not alter protein structure/function

NM_001385012.1(NBEA):c.170C>G (p.Pro57Arg)

Gene: NBEA (neurobeachin; plus strand). Cytogenetic location: 13q13.3.
Variant type: single nucleotide variant.
Coding change: c.170C>G on transcript NM_001385012.1 (MANE Select); coding-DNA position 170, C replaced by G.
Protein change: p.Pro57Arg; replaces proline 57 with arginine.
Molecular consequence: missense variant.
Genome position (GRCh38, 1-based): chr13:34,942,990, C>G. VCF-style: chr13-34942990-C-G. GRCh37 (hg19) VCF-style: chr13-35517127-C-G.
Other names: c.170C>G, p.Pro57Arg (NM_001379245.1, NM_015678.5); short protein forms P57R.
Identifiers: ClinVar variation 3766357 (VCV003766357.2).